The following is an entry in ClinVar:

NM_001003800.2(BICD2):c.1978G>A (p.Glu660Lys)

Gene: BICD2 (BICD cargo adaptor 2; minus strand). Cytogenetic location: 9q22.31.
Variant type: single nucleotide variant.
Coding change: c.1978G>A on transcript NM_001003800.2 (MANE Select); coding-DNA position 1978, G replaced by A.
Protein change: p.Glu660Lys; replaces glutamic acid 660 with lysine.
Molecular consequence: missense variant.
Genome position (GRCh38, 1-based): chr9:92,718,667, C>T on the plus strand (G>A on the coding strand, the complement: BICD2 is on the minus strand). VCF-style: chr9-92718667-C-T. GRCh37 (hg19) VCF-style: chr9-95480949-C-T.
Other names: c.1978G>A, p.Glu660Lys (NM_015250.4); short protein forms E660K.
Identifiers: ClinVar variation 858616 (VCV000858616.10), dbSNP rs1853379869, ClinGen allele CA374034636.

ClinVar aggregate classification (germline): Uncertain significance (1 of 4 stars; one submission).

Conditions:
Autosomal dominant childhood-onset proximal spinal muscular atrophy with contractures (SMALED2A). Also called: SPINAL MUSCULAR ATROPHY, LOWER EXTREMITY-PREDOMINANT, 2A, CHILDHOOD ONSET, AUTOSOMAL DOMINANT; Spinal muscular atrophy, lower extremity-predominant, 2A, autosomal dominant. Identifiers: Orphanet 363447, Orphanet 363454, MedGen C4747715, MONDO:0014121, OMIM 615290.

Submission:

Labcorp Genetics (formerly Invitae), Labcorp
Classification: Uncertain significance for Autosomal dominant childhood-onset proximal spinal muscular atrophy with contractures. Last evaluated: 2019-12-19. Review status: criteria provided, single submitter. Criteria: Invitae Variant Classification Sherloc (09022015). Collection method: clinical testing. Allele origin: germline.
Comment: This sequence change replaces glutamic acid with lysine at codon 660 of the BICD2 protein (p.Glu660Lys). The glutamic acid residue is highly conserved and there is a small physicochemical difference between glutamic acid and lysine. In summary, the available evidence is currently insufficient to determine the role of this variant in disease. Therefore, it has been classified as a Variant of Uncertain Significance. Algorithms developed to predict the effect of missense changes on protein structure and function are either unavailable or do not agree on the potential impact of this missense change (SIFT: "Tolerated"; PolyPhen-2: "Probably Damaging"; Align-GVGD: "Class C0"). This variant has not been reported in the literature in individuals with BICD2-related conditions. This variant is not present in population databases (ExAC no frequency).